The following is an entry in ClinVar:

ClinVar aggregate classification (germline): Likely benign. Review status: criteria provided, multiple submitters, no conflicts (2 of 4 stars). 2 submissions from 2 submitters: Likely benign (2). Last evaluated 2023-04-28.

Conditions:
Cardiomyopathy (CMYO). Also called: Cardiomyopathies. Identifiers: Orphanet 167848, MedGen C0878544, MONDO:0004994, HP:0001638. Inheritance: Various modes of inheritance.
Arrhythmogenic right ventricular cardiomyopathy (ARVD). Also called: Arrhythmogenic right ventricular dysplasia; Cardiomyopathy, ARVC; Arrhythmogenic cardiomyopathy; Arrhythmogenic Right Ventricular Cardiomyopathy (ARVC). Identifiers: Orphanet 247, MedGen C0349788, MeSH D019571, MONDO:0016587. Disease mechanism: loss of function. Inheritance: Various modes of inheritance.

Allele frequency attached by ClinVar (database versions not stated): gnomAD exomes below 0.00001; gnomAD 0.00001.

Submissions (2):

All of Us Research Program, National Institutes of Health
Classification: Likely benign for Arrhythmogenic right ventricular cardiomyopathy. Last evaluated: 2023-04-28. Review status: criteria provided, single submitter. Criteria: ACMG Guidelines, 2015. Collection method: clinical testing. Allele origin: germline. Inheritance: Autosomal dominant inheritance. Observed: 1 variant allele, 1 heterozygote.
Comment: This study involves interpretation of variants in research participants for the purpose of population health screening. Participant phenotype was not available at the time of variant classification. Additional details can be found in publication PMID: 35346344, PMCID: PMC8962531

Color Diagnostics, LLC DBA Color Health
Classification: Likely benign for Cardiomyopathy. Last evaluated: 2023-03-07. Review status: criteria provided, single submitter. Criteria: ACMG Guidelines, 2015. Collection method: clinical testing. Allele origin: germline.

NM_001005242.3(PKP2):c.2358-15T>C

Gene: PKP2 (plakophilin 2; minus strand). Cytogenetic location: 12p11.21.
Variant type: single nucleotide variant.
Coding change: c.2358-15T>C on transcript NM_001005242.3 (MANE Select); 15 bases into the intron before coding-DNA position 2358, T replaced by C.
Molecular consequence: intron variant.
Genome position (GRCh38, 1-based): chr12:32,792,746, A>G on the plus strand (T>C on the coding strand, the complement: PKP2 is on the minus strand). VCF-style: chr12-32792746-A-G. GRCh37 (hg19) VCF-style: chr12-32945680-A-G.
Other names: c.2193-15T>C (NM_001407156.1); c.2168-15T>C (NM_001407155.1); c.2490-15T>C (NM_004572.4); c.1841-15T>C (NM_001407160.1); c.2031-15T>C (NM_001407159.1, NM_001407158.1).
Identifiers: ClinVar variation 2774076 (VCV002774076.3), dbSNP rs1956082648, ClinGen allele CA946312724.